The following is an entry in ClinVar:

ClinVar aggregate classification (germline): Uncertain significance (1 of 4 stars; one submission).

Conditions:
Familial thoracic aortic aneurysm and aortic dissection (TAAD). Also called: Thoracic aortic aneurysms and dissections. Identifiers: Orphanet 91387, MedGen C4707243, MONDO:0019625.

gnomAD v4.1: 11 of 1,614,154 alleles (0.00068%); highest among the groups gnomAD compares: South Asian, 0.012%; no homozygotes.

Submission:

Ambry Genetics
Classification: Uncertain significance for Familial thoracic aortic aneurysm and aortic dissection. Last evaluated: 2026-03-11. Review status: criteria provided, single submitter. Criteria: Ambry Variant Classification Scheme 2023. Collection method: clinical testing. Allele origin: germline.
Comment: The p.T1309I variant (also known as c.3926C>T), located in coding exon 20 of the MYLK gene, results from a C to T substitution at nucleotide position 3926. The threonine at codon 1309 is replaced by isoleucine, an amino acid with similar properties. This amino acid position is conserved. In addition, the in silico prediction for this alteration is inconclusive. Based on the available evidence, the clinical significance of this variant remains unclear.

NM_053025.4(MYLK):c.3926C>T (p.Thr1309Ile)

Gene: MYLK (myosin light chain kinase; minus strand). Cytogenetic location: 3q21.1.
Variant type: single nucleotide variant.
Coding change: c.3926C>T on transcript NM_053025.4 (MANE Select); coding-DNA position 3926, C replaced by T.
Protein change: p.Thr1309Ile; replaces threonine 1309 with isoleucine.
Molecular consequence: missense variant.
Genome position (GRCh38, 1-based): chr3:123,664,164, G>A on the plus strand (C>T on the coding strand, the complement: MYLK is on the minus strand). VCF-style: chr3-123664164-G-A. GRCh37 (hg19) VCF-style: chr3-123383011-G-A.
Other names: c.3398C>T, p.Thr1133Ile (NM_001321309.2); c.3719C>T, p.Thr1240Ile (NM_053026.4, NM_053028.4); c.3926C>T, p.Thr1309Ile (NM_053027.4); short protein forms T1309I, T1240I, T1133I.
Identifiers: ClinVar variation 4840800 (VCV004840800.1).
Genomic context (GRCh38, chr3:123,664,164, plus strand): 5'-CCCACGACAGTGAGGTTGACCTGGGCCTGCCTGCTGCCCAGCTTGTTCTCCACCAGCAGT[G>A]TGTAGCAGCCGCAGTGCTCCTGGCGCGCGGCCAGGATGGTGAGCTTGCTGCCATTCTCGC-3'
Protein context (NP_444253.3, residues 1299-1319): AARQEHCGCY[Thr1309Ile]LLVENKLGSR